The following is an entry in ClinVar:

ClinVar aggregate classification (germline): Uncertain significance (1 of 4 stars; one submission).

Allele frequency attached by ClinVar (database versions not stated): ExAC 0.00002; gnomAD exomes 0.00002; gnomAD 0.00003 and 0.00004; TOPMed 0.00003.

Submission:

Labcorp Genetics (formerly Invitae), Labcorp
Classification: Uncertain significance. Last evaluated: 2025-07-31. Review status: criteria provided, single submitter. Criteria: Invitae Variant Classification Sherloc (09022015). Collection method: clinical testing. Allele origin: germline.
Comment: This sequence change replaces serine, which is neutral and polar, with asparagine, which is neutral and polar, at codon 664 of the TOPORS protein (p.Ser664Asn). This variant is present in population databases (rs763642849, gnomAD 0.02%). This variant has not been reported in the literature in individuals affected with TOPORS-related conditions. ClinVar contains an entry for this variant (Variation ID: 1476539). Experimental studies and prediction algorithms are not available or were not evaluated, and the functional significance of this variant is currently unknown. In summary, the available evidence is currently insufficient to determine the role of this variant in disease. Therefore, it has been classified as a Variant of Uncertain Significance.

NM_005802.5(TOPORS):c.1991G>A (p.Ser664Asn)

Gene: TOPORS (TOP1 binding arginine/serine rich protein, E3 ubiquitin ligase; minus strand). Cytogenetic location: 9p21.1.
Variant type: single nucleotide variant.
Coding change: c.1991G>A on transcript NM_005802.5 (MANE Select); coding-DNA position 1991, G replaced by A.
Protein change: p.Ser664Asn; replaces serine 664 with asparagine.
Molecular consequence: missense variant.
Genome position (GRCh38, 1-based): chr9:32,542,534, C>T on the plus strand (G>A on the coding strand, the complement: TOPORS is on the minus strand). VCF-style: chr9-32542534-C-T. GRCh37 (hg19) VCF-style: chr9-32542532-C-T.
Other names: c.1796G>A, p.Ser599Asn (NM_001195622.2); short protein forms S664N, S599N.
Identifiers: ClinVar variation 1476539 (VCV001476539.9), dbSNP rs763642849, ClinGen allele CA5020433.